The following is an entry in ClinVar:

NM_001735.3(C5):c.2257+4A>T

Gene: C5 (complement C5; minus strand). Cytogenetic location: 9q33.2.
Variant type: single nucleotide variant.
Coding change: c.2257+4A>T on transcript NM_001735.3 (MANE Select); 4 bases into the intron after coding-DNA position 2257, A replaced by T.
Molecular consequence: intron variant.
Genome position (GRCh38, 1-based): chr9:121,013,869, T>A on the plus strand (A>T on the coding strand, the complement: C5 is on the minus strand). VCF-style: chr9-121013869-T-A. GRCh37 (hg19) VCF-style: chr9-123776147-T-A.
Other names: c.2275+4A>T (NM_001317163.2); c.2257+4A>T (NM_001317164.2).
Identifiers: ClinVar variation 2127265 (VCV002127265.4), dbSNP rs2540425444, ClinGen allele CA2580079497.
Genomic context (GRCh38, chr9:121,013,869, plus strand): 5'-CAGCATAAAATTACACAAAATTCCCCATATTGAGCAGAATTCTGATAGAAAATGTCATAC[T>A]TACGTAGCCTTCCCAATTGCATGTCTTTATGAGAGATATTAGCACGGAGCTGGCTTGCGA-3'

ClinVar aggregate classification (germline): Uncertain significance (1 of 4 stars; one submission).

Allele frequency attached by ClinVar (database versions not stated): gnomAD exomes below 0.00001.
gnomAD v4.1: 1 of 1,612,986 alleles (0.000062%); highest among the groups gnomAD compares: Non-Finnish European, 0.000085%; no homozygotes.

Submission:

Labcorp Genetics (formerly Invitae), Labcorp
Classification: Uncertain significance. Last evaluated: 2022-11-22. Review status: criteria provided, single submitter. Criteria: Invitae Variant Classification Sherloc (09022015). Collection method: clinical testing. Allele origin: germline.
Comment: In summary, the available evidence is currently insufficient to determine the role of this variant in disease. Therefore, it has been classified as a Variant of Uncertain Significance. Variants that disrupt the consensus splice site are a relatively common cause of aberrant splicing (PMID: 17576681, 9536098). Algorithms developed to predict the effect of sequence changes on RNA splicing suggest that this variant may disrupt the consensus splice site. This variant has not been reported in the literature in individuals affected with C5-related conditions. This variant is not present in population databases (gnomAD no frequency). This sequence change falls in intron 17 of the C5 gene. It does not directly change the encoded amino acid sequence of the C5 protein. It affects a nucleotide within the consensus splice site.

Literature cited by the submitters: PubMed 17576681; PubMed 9536098.